The following is an entry in ClinVar:

ClinVar aggregate classification (germline): Pathogenic. Review status: criteria provided, multiple submitters, no conflicts (2 of 4 stars). 2 submissions from 2 submitters: Pathogenic (2). Last evaluated 2025-10-01.

Conditions:
Muscular dystrophy-dystroglycanopathy. Also called: Congenital muscular dystrophy due to dystroglycanopathy. Identifiers: Orphanet 370953, MedGen C5679911, MONDO:0018276.
Autosomal recessive limb-girdle muscular dystrophy type 2O. Also called: MUSCULAR DYSTROPHY-DYSTROGLYCANOPATHY (LIMB-GIRDLE), TYPE C, 3; Limb-Girdle Muscular Dystrophy Type 3C; MUSCULAR DYSTROPHY-DYSTROGLYCANOPATHY, LIMB-GIRDLE, POMGNT1-RELATED. Identifiers: Orphanet 206564, MedGen C3150417, MONDO:0013161, OMIM 613157.
Muscular dystrophy-dystroglycanopathy (congenital with impaired intellectual development), type B, 3. Also called: Muscular dystrophy-dystroglycanopathy (congenital with intellectual disability), type B3; MUSCULAR DYSTROPHY, CONGENITAL, POMGNT1-RELATED. Identifiers: MedGen C3150412, MONDO:0013155, OMIM 613151.

Submissions (2):

Labcorp Genetics (formerly Invitae), Labcorp
Classification: Pathogenic for Autosomal recessive limb-girdle muscular dystrophy type 2O; Muscular dystrophy-dystroglycanopathy (congenital with impaired intellectual development), type B, 3. Last evaluated: 2025-10-01. Review status: criteria provided, single submitter. Criteria: Invitae Variant Classification Sherloc (09022015). Collection method: clinical testing. Allele origin: germline.
Comment: This sequence change creates a premature translational stop signal (p.Tyr516Thrfs*21) in the POMGNT1 gene. It is expected to result in an absent or disrupted protein product. Loss-of-function variants in POMGNT1 are known to be pathogenic (PMID: 19299310, 20816175, 21447391, 26908613, 27391550). This variant is present in population databases (no rsID available, gnomAD 0.003%). This premature translational stop signal has been observed in individual(s) with clinical features of muscular dystrophy-dystroglycanopathy (PMID: 24282183). ClinVar contains an entry for this variant (Variation ID: 1076645). For these reasons, this variant has been classified as Pathogenic.

Broad Center for Mendelian Genomics, Broad Institute of MIT and Harvard
Classification: Pathogenic for Muscular dystrophy-dystroglycanopathy. Last evaluated: 2023-01-24. Review status: criteria provided, single submitter. Criteria: ACMG Guidelines, 2015. Collection method: curation. Allele origin: germline. Inheritance: Autosomal recessive inheritance.
Comment: The p.Tyr516fs variant in POMGNT1 has been previously reported in one individual, in the compound heterozygous state, with muscular dystrophy-dystroglycanopathy (PMID: 24282183), and has been identified in 0.003% (1/34592) of Latino/Admixed American chromosomes by the Genome Aggregation Database (gnomAD; dbSNP ID: rs1434252108). Although this variant has been seen in the general population in a heterozygous state, its frequency is low enough to be consistent with a recessive carrier frequency. This variant has also been reported in ClinVar (Variation ID#:1076645) and has been interpreted as pathogenic by Invitae. This variant is predicted to cause a frameshift, which alters the protein‚Äôs amino acid sequence beginning at position 516 and leads to a premature termination codon 21 amino acids downstream. This alteration is then predicted to lead to a truncated or absent protein. Loss of function of the POMGNT1 gene is an established disease mechanism in autosomal recessive POMGNT1-associated muscular dystrophy-dystroglycanopathy. In summary, this variant meets criteria to be classified as pathogenic for POMGNT1-associated muscular dystrophy-dystroglycanopathy. ACMG/AMP Criteria applied: PVS1, PM2_supporting, PM3 (Richards 2015).

Literature cited by the submitters: PubMed 19299310 (cited by Labcorp Genetics (formerly Invitae), Labcorp); PubMed 20816175 (cited by Labcorp Genetics (formerly Invitae), Labcorp); PubMed 21447391 (cited by Labcorp Genetics (formerly Invitae), Labcorp); PubMed 26908613 (cited by Labcorp Genetics (formerly Invitae), Labcorp); PubMed 27391550 (cited by Labcorp Genetics (formerly Invitae), Labcorp); PubMed 24282183 (cited by Labcorp Genetics (formerly Invitae), Labcorp).

NM_017739.4(POMGNT1):c.1545del (p.Tyr516fs)

Genes: POMGNT1 (protein O-linked mannose N-acetylglucosaminyltransferase 1 (beta 1,2-); minus strand), TSPAN1 (tetraspanin 1; plus strand). Cytogenetic location: 1p34.1.
Variant type: Deletion.
Coding change: c.1545del on transcript NM_017739.4 (MANE Select); coding-DNA position 1545, one base deleted (C; older notation c.1545delC).
Protein change: p.Tyr516fs; shifts the reading frame from tyrosine 516.
Molecular consequence: frameshift variant.
Genome position (GRCh38, 1-based): chr1:46,190,779, G deleted on the plus strand (C on the coding strand, the reverse complement: POMGNT1 is on the minus strand); the first of 2 consecutive G bases (chr1:46,190,779-46,190,780); deleting either gives the same sequence. VCF-style (leftmost placement, unchanged base first): chr1-46190778-AG-A. GRCh37 (hg19) VCF-style: chr1-46656450-AG-A.
Other names: NM_017739.4(POMGNT1):c.1545del; p.Tyr516fs; c.1545del, p.Tyr516fs (NM_001243766.2, NM_001410783.1); c.1478delC, p.Tyr494Thrfs (NM_001290129.3); c.1116del, p.Tyr373fs (NM_001290130.2); short protein forms Y373fs, Y494fs, Y516fs.
Identifiers: ClinVar variation 1076645 (VCV001076645.7), dbSNP rs1434252108, ClinGen allele CA522581264.